The following is an entry in ClinVar:

NM_005045.4(RELN):c.2703-9C>G

Gene: RELN (reelin; minus strand). Cytogenetic location: 7q22.1.
Variant type: single nucleotide variant.
Coding change: c.2703-9C>G on transcript NM_005045.4 (MANE Select); 9 bases into the intron before coding-DNA position 2703, C replaced by G.
Molecular consequence: intron variant.
Genome position (GRCh38, 1-based): chr7:103,611,812, G>C on the plus strand (C>G on the coding strand, the complement: RELN is on the minus strand). VCF-style: chr7-103611812-G-C. GRCh37 (hg19) VCF-style: chr7-103252259-G-C.
Other names: c.2703-9C>G (NM_173054.3, NM_005045.3).
Identifiers: ClinVar variation 1114279 (VCV001114279.11), dbSNP rs775212341, ClinGen allele CA4421938.

ClinVar aggregate classification (germline): Likely benign. Review status: criteria provided, single submitter (1 of 4 stars). 2 submissions from 2 submitters: Likely benign (1). 1 of the submissions does not count toward it. Last evaluated 2024-10-15.

Conditions:
Norman-Roberts syndrome (LIS2). Also called: Lissencephaly 2 (Norman-Roberts type). Identifiers: Orphanet 89844, MedGen C0796089, MONDO:0009760, OMIM 257320.
Familial temporal lobe epilepsy 7. Identifiers: Orphanet 101046, MedGen C4225327, MONDO:0014639, OMIM 616436.
RELN-related disorder. Also called: RELN-related condition.

Allele frequency attached by ClinVar (database versions not stated): gnomAD 0.00001; gnomAD exomes 0.00002; ExAC 0.00003.
gnomAD v4.1: 102 of 1,609,694 alleles (0.0063%); highest among the groups gnomAD compares: Non-Finnish European, 0.0084%; no homozygotes.

Submissions (2):

Labcorp Genetics (formerly Invitae), Labcorp
Classification: Likely benign for Familial temporal lobe epilepsy 7; Norman-Roberts syndrome. Last evaluated: 2024-10-15. Review status: criteria provided, single submitter. Criteria: Invitae Variant Classification Sherloc (09022015). Collection method: clinical testing. Allele origin: germline.

PreventionGenetics, part of Exact Sciences
Classification: Likely benign for RELN-related condition. Last evaluated: 2022-11-21. Review status: no assertion criteria provided. Collection method: clinical testing. Allele origin: germline. Not counted in ClinVar's aggregate classification.
Comment: This variant is classified as likely benign based on ACMG/AMP sequence variant interpretation guidelines (Richards et al. 2015 PMID: 25741868, with internal and published modifications).